The following is an entry in ClinVar:

NM_000719.7(CACNA1C):c.2392G>A (p.Glu798Lys)

Gene: CACNA1C (calcium voltage-gated channel subunit alpha1 C; plus strand). Cytogenetic location: 12p13.33.
Variant type: single nucleotide variant.
Coding change: c.2392G>A on transcript NM_000719.7 (MANE Select); coding-DNA position 2392, G replaced by A.
Protein change: p.Glu798Lys; replaces glutamic acid 798 with lysine.
Molecular consequence: missense variant.
Genome position (GRCh38, 1-based): chr12:2,585,428, G>A. VCF-style: chr12-2585428-G-A. GRCh37 (hg19) VCF-style: chr12-2694594-G-A.
Other names: c.2392G>A, p.Glu798Lys (NM_001129827.2, NM_001129829.2, NM_001129830.3 and 18 more transcripts); c.2383G>A, p.Glu795Lys (NM_001129844.2); short protein forms E795K, E798K.
Identifiers: ClinVar variation 853199 (VCV000853199.4), dbSNP rs1175417421, ClinGen allele CA383371719.

ClinVar aggregate classification (germline): Uncertain significance (1 of 4 stars; one submission).

Conditions:
Long QT syndrome (LQTS). Identifiers: MedGen C0023976, MeSH D008133, MONDO:0002442. Disease mechanism: loss of function. Inheritance: Various modes of inheritance.

Allele frequency attached by ClinVar (database versions not stated): gnomAD exomes below 0.00001; TOPMed 0.00002.
gnomAD v4.1: 4 of 1,608,564 alleles (0.00025%); highest among the groups gnomAD compares: Non-Finnish European, 0.00034%; no homozygotes.

Submission:

Labcorp Genetics (formerly Invitae), Labcorp
Classification: Uncertain significance for Long QT syndrome. Last evaluated: 2023-09-06. Review status: criteria provided, single submitter. Criteria: Invitae Variant Classification Sherloc (09022015). Collection method: clinical testing. Allele origin: germline.
Comment: Advanced modeling of protein sequence and biophysical properties (such as structural, functional, and spatial information, amino acid conservation, physicochemical variation, residue mobility, and thermodynamic stability) performed at Invitae indicates that this missense variant is not expected to disrupt CACNA1C protein function. ClinVar contains an entry for this variant (Variation ID: 853199). This variant has not been reported in the literature in individuals affected with CACNA1C-related conditions. This variant is not present in population databases (gnomAD no frequency). This sequence change replaces glutamic acid, which is acidic and polar, with lysine, which is basic and polar, at codon 798 of the CACNA1C protein (p.Glu798Lys). In summary, the available evidence is currently insufficient to determine the role of this variant in disease. Therefore, it has been classified as a Variant of Uncertain Significance.